The following is an entry in ClinVar:

ClinVar aggregate classification (germline): Uncertain significance (1 of 4 stars; one submission).

gnomAD v4.1: 3 of 1,611,522 alleles (0.00019%); highest among the groups gnomAD compares: Admixed American, 0.005%; no homozygotes.

Submission:

Labcorp Genetics (formerly Invitae), Labcorp
Classification: Uncertain significance. Last evaluated: 2022-07-07. Review status: criteria provided, single submitter. Criteria: Invitae Variant Classification Sherloc (09022015). Collection method: clinical testing. Allele origin: germline.
Comment: This sequence change replaces glycine, which is neutral and non-polar, with tryptophan, which is neutral and slightly polar, at codon 1347 of the C2CD3 protein (p.Gly1347Trp). In summary, the available evidence is currently insufficient to determine the role of this variant in disease. Therefore, it has been classified as a Variant of Uncertain Significance. Algorithms developed to predict the effect of missense changes on protein structure and function are either unavailable or do not agree on the potential impact of this missense change (SIFT: "Deleterious"; PolyPhen-2: "Possibly Damaging"; Align-GVGD: "Class C0"). This variant has not been reported in the literature in individuals affected with C2CD3-related conditions. This variant is not present in population databases (gnomAD no frequency).

NM_001286577.2(C2CD3):c.4039G>T (p.Gly1347Trp)

Gene: C2CD3 (C2 domain containing 3 centriole elongation regulator; minus strand). Cytogenetic location: 11q13.4.
Variant type: single nucleotide variant.
Coding change: c.4039G>T on transcript NM_001286577.2 (MANE Select); coding-DNA position 4039, G replaced by T.
Protein change: p.Gly1347Trp; replaces glycine 1347 with tryptophan.
Molecular consequence: missense variant.
Genome position (GRCh38, 1-based): chr11:74,078,679, C>A on the plus strand (G>T on the coding strand, the complement: C2CD3 is on the minus strand). VCF-style: chr11-74078679-C-A. GRCh37 (hg19) VCF-style: chr11-73789724-C-A.
Other names: c.4039G>T, p.Gly1347Trp (NM_015531.6); short protein forms G1347W.
Identifiers: ClinVar variation 1957203 (VCV001957203.5), dbSNP rs758231091, ClinGen allele CA381818980.